The following is an entry in ClinVar:

ClinVar aggregate classification (germline): Uncertain significance (1 of 4 stars; one submission).

Conditions:
Charcot-Marie-Tooth disease type 4. Also called: Charcot-Marie-Tooth disease, type IV; Charcot-Marie-Tooth, Type 4. Identifiers: Orphanet 64749, MedGen C4082197, MONDO:0018995.

Allele frequency attached by ClinVar (database versions not stated): gnomAD exomes 0.00001.
gnomAD v4.1: 5 of 1,614,128 alleles (0.00031%); highest among the groups gnomAD compares: Non-Finnish European, 0.00042%; no homozygotes.

Submission:

Labcorp Genetics (formerly Invitae), Labcorp
Classification: Uncertain significance for Charcot-Marie-Tooth disease type 4. Last evaluated: 2022-07-25. Review status: criteria provided, single submitter. Criteria: Invitae Variant Classification Sherloc (09022015). Collection method: clinical testing. Allele origin: germline.
Comment: In summary, the available evidence is currently insufficient to determine the role of this variant in disease. Therefore, it has been classified as a Variant of Uncertain Significance. Algorithms developed to predict the effect of missense changes on protein structure and function are either unavailable or do not agree on the potential impact of this missense change (SIFT: "Deleterious"; PolyPhen-2: "Probably Damaging"; Align-GVGD: "Class C0"). This variant has not been reported in the literature in individuals affected with FGD4-related conditions. This variant is not present in population databases (gnomAD no frequency). This sequence change replaces glutamic acid, which is acidic and polar, with glutamine, which is neutral and polar, at codon 28 of the FGD4 protein (p.Glu28Gln).

NM_001370298.3(FGD4):c.493G>C (p.Glu165Gln)

Gene: FGD4 (FYVE, RhoGEF and PH domain containing 4; plus strand). Cytogenetic location: 12p11.21.
Variant type: single nucleotide variant.
Coding change: c.493G>C on transcript NM_001370298.3 (MANE Select); coding-DNA position 493, G replaced by C.
Protein change: p.Glu165Gln; replaces glutamic acid 165 with glutamine.
Molecular consequence: missense variant. On other transcripts: 5 prime UTR variant (2), intron variant (4).
Genome position (GRCh38, 1-based): chr12:32,576,439, G>C. VCF-style: chr12-32576439-G-C. GRCh37 (hg19) VCF-style: chr12-32729373-G-C.
Other names: c.337G>C, p.Glu113Gln (NM_001304481.2); c.-763G>C (NM_001304483.2); c.-1070G>C (NM_001304484.2); c.493G>C, p.Glu165Gln (NM_001384126.1); c.82G>C, p.Glu28Gln (NM_001384127.1, NM_001384128.1, NM_001384131.1 and 3 more transcripts); c.-187-5521G>C (NM_001330374.2, NM_001330373.2, NM_001384130.1); c.48+12150G>C (NM_001370297.1); short protein forms E113Q, E165Q, E28Q.
Identifiers: ClinVar variation 2152396 (VCV002152396.4), dbSNP rs2540516030, ClinGen allele CA384355460.